The following is an entry in ClinVar:

ClinVar aggregate classification (germline): Uncertain significance (1 of 4 stars; one submission).

Conditions:
Joubert syndrome. Also called: CEREBELLOPARENCHYMAL DISORDER IV; JOUBERT-BOLTSHAUSER SYNDROME; Familial aplasia of the vermis. Identifiers: Orphanet 475, MedGen C5979921, MONDO:0018772.
Orofaciodigital syndrome I (OFD1). Also called: OFDS I; Papillon-Leage and Psaume Syndrome; Oral-Facial-Digital Syndrome Type I. Identifiers: Orphanet 2750, MedGen C1510460, MONDO:0010702, OMIM 311200.

Submission:

Labcorp Genetics (formerly Invitae), Labcorp
Classification: Uncertain significance for Orofaciodigital syndrome I; Joubert syndrome. Last evaluated: 2024-03-01. Review status: criteria provided, single submitter. Criteria: Invitae Variant Classification Sherloc (09022015). Collection method: clinical testing. Allele origin: germline.
Comment: This sequence change replaces serine, which is neutral and polar, with tryptophan, which is neutral and slightly polar, at codon 973 of the OFD1 protein (p.Ser973Trp). This variant is not present in population databases (gnomAD no frequency). This variant has not been reported in the literature in individuals affected with OFD1-related conditions. Advanced modeling of protein sequence and biophysical properties (such as structural, functional, and spatial information, amino acid conservation, physicochemical variation, residue mobility, and thermodynamic stability) performed at Invitae indicates that this missense variant is not expected to disrupt OFD1 protein function with a negative predictive value of 80%. Algorithms developed to predict the effect of sequence changes on RNA splicing suggest that this variant may disrupt the consensus splice site. In summary, the available evidence is currently insufficient to determine the role of this variant in disease. Therefore, it has been classified as a Variant of Uncertain Significance.

NM_003611.3(OFD1):c.2918C>G (p.Ser973Trp)

Gene: OFD1 (OFD1 centriole and centriolar satellite protein; plus strand). Cytogenetic location: Xp22.2.
Variant type: single nucleotide variant.
Coding change: c.2918C>G on transcript NM_003611.3 (MANE Select); coding-DNA position 2918, C replaced by G.
Protein change: p.Ser973Trp; replaces serine 973 with tryptophan.
Molecular consequence: missense variant.
Genome position (GRCh38, 1-based): chrX:13,768,214, C>G. VCF-style: chrX-13768214-C-G. GRCh37 (hg19) VCF-style: chrX-13786333-C-G.
Other names: c.2798C>G, p.Ser933Trp (NM_001330209.2); c.2498C>G, p.Ser833Trp (NM_001330210.2); short protein forms S833W, S933W, S973W.
Identifiers: ClinVar variation 3749080 (VCV003749080.2).
Genomic context (GRCh38, chrX:13,768,214, plus strand): 5'-ACAGTGAAAATCCTTTAGAGAAATACATGAAAATCATCCAGCAGGAGCAAGACCAGGAGT[C>G]GGCAGATAAGGTGCCAGTGCCATGGGCAGGGCAATCTGTGGGTGGGGGACATCCAGGGCT-3'
Protein context (NP_003602.1, residues 963-983): KIIQQEQDQE[Ser973Trp]ADKSSKKMVQ